The following is an entry in ClinVar:

ClinVar aggregate classification (germline): Uncertain significance. Review status: criteria provided, multiple submitters, no conflicts (2 of 4 stars). 2 submissions from 2 submitters: Uncertain significance (2). Last evaluated 2024-11-23.

Allele frequency attached by ClinVar (database versions not stated): ExAC 0.00001; gnomAD 0.00002; gnomAD exomes 0.00002; TOPMed 0.00003.
gnomAD v4.1: 38 of 1,613,932 alleles (0.0024%); highest among the groups gnomAD compares: East Asian, 0.0089%; no homozygotes.

Submissions (2):

Ambry Genetics
Classification: Uncertain significance. Last evaluated: 2024-11-23. Review status: criteria provided, single submitter. Criteria: Ambry Variant Classification Scheme 2023. Collection method: clinical testing. Allele origin: germline.
Comment: The p.A779V variant (also known as c.2336C>T), located in coding exon 13 of the ATRIP gene, results from a C to T substitution at nucleotide position 2336. The alanine at codon 779 is replaced by valine, an amino acid with similar properties. This amino acid position is conserved. In addition, this alteration is predicted to be tolerated by in silico analysis. Based on the available evidence, the clinical significance of this variant remains unclear.

Labcorp Genetics (formerly Invitae), Labcorp
Classification: Uncertain significance. Last evaluated: 2023-04-06. Review status: criteria provided, single submitter. Criteria: Invitae Variant Classification Sherloc (09022015). Collection method: clinical testing. Allele origin: germline.
Comment: In summary, the available evidence is currently insufficient to determine the role of this variant in disease. Therefore, it has been classified as a Variant of Uncertain Significance. This sequence change replaces alanine, which is neutral and non-polar, with valine, which is neutral and non-polar, at codon 779 of the ATRIP protein (p.Ala779Val). This variant is present in population databases (rs780554074, gnomAD 0.01%). This variant has not been reported in the literature in individuals affected with ATRIP-related conditions. Algorithms developed to predict the effect of missense changes on protein structure and function output the following: SIFT: "Not Available"; PolyPhen-2: "Benign"; Align-GVGD: "Not Available". The valine amino acid residue is found in multiple mammalian species, which suggests that this missense change does not adversely affect protein function.

NM_130384.3(ATRIP):c.2336C>T (p.Ala779Val)

Genes: ATRIP (ATR interacting protein; plus strand), ATRIP-TREX1 (ATRIP-TREX1 readthrough; plus strand), LOC129936704 (ATAC-STARR-seq lymphoblastoid active region 19829; plus strand). Cytogenetic location: 3p21.31.
Variant type: single nucleotide variant.
Coding change: c.2336C>T on transcript NM_130384.3 (MANE Select); coding-DNA position 2336, C replaced by T.
Protein change: p.Ala779Val; replaces alanine 779 with valine.
Molecular consequence: missense variant. On other transcripts: non-coding transcript variant (1).
Genome position (GRCh38, 1-based): chr3:48,465,514, C>T. VCF-style: chr3-48465514-C-T. GRCh37 (hg19) VCF-style: chr3-48506913-C-T.
Other names: c.1955C>T, p.Ala652Val (NM_001271022.2); c.2057C>T, p.Ala686Val (NM_001271023.2); c.2255C>T, p.Ala752Val (NM_032166.4); short protein forms A686V, A752V, A652V, A779V.
Identifiers: ClinVar variation 2963112 (VCV002963112.5), dbSNP rs780554074, ClinGen allele CA2376469.
Genomic context (GRCh38, chr3:48,465,514, plus strand): 5'-GCCCTCACCAGGAACCTCTCCTTTTTGTCTCAGAGGCAGCCCTGGATGACCTCTGTGCCG[C>T]GGAAACCGATGTGGAAGACCCCGAGGTGGAGTGTGGCTGAGGCCCTGAGTGTCCAGCCAC-3'
Protein context (NP_569055.1, residues 769-789): EEAALDDLCA[Ala779Val]ETDVEDPEVE